The following is an entry in ClinVar:

NM_002225.5(IVD):c.215A>G (p.Asn72Ser)

Gene: IVD (isovaleryl-CoA dehydrogenase; plus strand). Cytogenetic location: 15q15.1.
Variant type: single nucleotide variant.
Coding change: c.215A>G on transcript NM_002225.5 (MANE Select); coding-DNA position 215, A replaced by G.
Protein change: p.Asn72Ser; replaces asparagine 72 with serine.
Molecular consequence: missense variant. On other transcripts: non-coding transcript variant (1), intron variant (1).
Genome position (GRCh38, 1-based): chr15:40,407,706, A>G. VCF-style: chr15-40407706-A-G. GRCh37 (hg19) VCF-style: chr15-40699907-A-G.
Other names: c.167A>G, p.Asn56Ser (NM_001354597.3); c.215A>G, p.Asn72Ser (NM_001354598.3, NM_001354599.3, NM_001354600.3 and 1 more transcripts); c.145-233A>G (NM_001159508.3); short protein forms N56S, N72S.
Identifiers: ClinVar variation 2168221 (VCV002168221.4), dbSNP rs753978883, ClinGen allele CA391744871.

ClinVar aggregate classification (germline): Uncertain significance (1 of 4 stars; one submission).

Conditions:
Isovaleryl-CoA dehydrogenase deficiency (IVA). Also called: IVD DEFICIENCY; Classic Isovaleric Acidemia; ISOVALERIC ACID CoA DEHYDROGENASE DEFICIENCY; Isovaleric acidemia. Identifiers: Orphanet 33, MedGen C0268575, MONDO:0009475, OMIM 243500.

Submission:

Labcorp Genetics (formerly Invitae), Labcorp
Classification: Uncertain significance for Isovaleryl-CoA dehydrogenase deficiency. Last evaluated: 2022-05-20. Review status: criteria provided, single submitter. Criteria: Invitae Variant Classification Sherloc (09022015). Collection method: clinical testing. Allele origin: germline.
Comment: In summary, the available evidence is currently insufficient to determine the role of this variant in disease. Therefore, it has been classified as a Variant of Uncertain Significance. Algorithms developed to predict the effect of sequence changes on RNA splicing suggest that this variant may create or strengthen a splice site. Algorithms developed to predict the effect of missense changes on protein structure and function are either unavailable or do not agree on the potential impact of this missense change (SIFT: "Deleterious"; PolyPhen-2: "Possibly Damaging"; Align-GVGD: "Class C15"). This variant has not been reported in the literature in individuals affected with IVD-related conditions. This variant is not present in population databases (gnomAD no frequency). This sequence change replaces asparagine, which is neutral and polar, with serine, which is neutral and polar, at codon 75 of the IVD protein (p.Asn75Ser).